The following is an entry in ClinVar:

ClinVar aggregate classification (germline): Uncertain significance (0 of 4 stars; one submission).

Conditions:
NCOA1-related disorder. Also called: NCOA1-related condition.

gnomAD v4.1: 8 of 1,614,098 alleles (0.0005%); highest among the groups gnomAD compares: Non-Finnish European, 0.00068%; no homozygotes.

Submission:

PreventionGenetics, part of Exact Sciences
Classification: Uncertain significance for NCOA1-related condition. Last evaluated: 2024-03-26. Review status: no assertion criteria provided. Collection method: clinical testing. Allele origin: germline.
Comment: The NCOA1 c.4110G>T variant is predicted to result in the amino acid substitution p.Gln1370His. To our knowledge, this variant has not been reported in the literature or in a large population database, indicating this variant is rare. At this time, the clinical significance of this variant is uncertain due to the absence of conclusive functional and genetic evidence.

NM_003743.5(NCOA1):c.4110G>T (p.Gln1370His)

Gene: NCOA1 (nuclear receptor coactivator 1; plus strand). Cytogenetic location: 2p23.3.
Variant type: single nucleotide variant.
Coding change: c.4110G>T on transcript NM_003743.5 (MANE Select); coding-DNA position 4110, G replaced by T.
Protein change: p.Gln1370His; replaces glutamine 1370 with histidine.
Molecular consequence: missense variant.
Genome position (GRCh38, 1-based): chr2:24,762,731, G>T. VCF-style: chr2-24762731-G-T. GRCh37 (hg19) VCF-style: chr2-24985600-G-T.
Other names: c.4110G>T, p.Gln1370His (NM_001362950.1, NM_001362952.1, NM_001362954.1 and 3 more transcripts); short protein forms Q1370H.
Identifiers: ClinVar variation 3349831 (VCV003349831.1).